The following is an entry in ClinVar:

ClinVar aggregate classification (germline): Pathogenic (1 of 4 stars; one submission).

Conditions:
Familial cancer of breast. Also called: hereditary breast carcinoma; Hereditary breast cancer; BREAST CANCER, FAMILIAL. Identifiers: Orphanet 227535, MedGen C0346153, MONDO:0016419, OMIM 114480. Disease mechanism: loss of function.

Submission:

Labcorp Genetics (formerly Invitae), Labcorp
Classification: Pathogenic for Familial cancer of breast. Last evaluated: 2022-10-13. Review status: criteria provided, single submitter. Criteria: Invitae Variant Classification Sherloc (09022015). Collection method: clinical testing. Allele origin: germline.
Comment: This variant is a gross deletion of the genomic region encompassing exon(s) 12 of the PALB2 gene. This deletion is out-of-frame, and is expected to create a premature termination codon and result in an absent or disrupted protein product. Loss-of-function variants in PALB2 are known to be pathogenic (PMID: 17200668, 17200671, 17200672, 24136930, 25099575). A similar copy number variant has been observed in individual(s) with breast or ovarian cancer (PMID: 31841383). For these reasons, this variant has been classified as Pathogenic.

Literature cited by the submitters: PubMed 17200668; PubMed 17200671; PubMed 17200672; PubMed 24136930; PubMed 25099575; PubMed 31841383.

NC_000016.9:g.(?_23619175)_(23619343_?)del

Gene: PALB2 (partner and localizer of BRCA2; minus strand). Cytogenetic location: 16p12.2.
Variant type: Deletion.
Identifiers: ClinVar variation 1075918 (VCV001075918.8).